The following is an entry in ClinVar:

NM_017999.5(RNF31):c.1450A>G (p.Met484Val)

Gene: RNF31 (ring finger protein 31; plus strand). Cytogenetic location: 14q12.
Variant type: single nucleotide variant.
Coding change: c.1450A>G on transcript NM_017999.5 (MANE Select); coding-DNA position 1450, A replaced by G.
Protein change: p.Met484Val; replaces methionine 484 with valine.
Molecular consequence: missense variant.
Genome position (GRCh38, 1-based): chr14:24,150,850, A>G. VCF-style: chr14-24150850-A-G. GRCh37 (hg19) VCF-style: chr14-24620059-A-G.
Other names: c.997A>G, p.Met333Val (NM_001310332.2); short protein forms M333V, M484V.
Identifiers: ClinVar variation 4716991 (VCV004716991.1).
Genomic context (GRCh38, chr14:24,150,850, plus strand): 5'-CGCCTTAGTGCCCCCCTGCCCAGTTCCTGTGGAGATCCTGAGAAGCAGCGCCAAGACAAG[A>G]TGCGGGAAGAAGGCCTCCAGCTAGTGAGCATGATCCGGGTAAGGACTGGGCCTGCGATGA-3'
Protein context (NP_060469.4, residues 474-494): GDPEKQRQDK[Met484Val]REEGLQLVSM

ClinVar aggregate classification (germline): Uncertain significance (1 of 4 stars; one submission).

gnomAD v4.1: 2 of 1,570,160 alleles (0.00013%); highest among the groups gnomAD compares: South Asian, 0.0024%; no homozygotes.

Submission:

Labcorp Genetics (formerly Invitae), Labcorp
Classification: Uncertain significance. Last evaluated: 2025-04-09. Review status: criteria provided, single submitter. Criteria: Invitae Variant Classification Sherloc (09022015). Collection method: clinical testing. Allele origin: germline.
Comment: This sequence change replaces methionine, which is neutral and non-polar, with valine, which is neutral and non-polar, at codon 484 of the RNF31 protein (p.Met484Val). This variant is not present in population databases (gnomAD no frequency). This variant has not been reported in the literature in individuals affected with RNF31-related conditions. An algorithm developed to predict the effect of missense changes on protein structure and function (PolyPhen-2) suggests that this variant is likely to be tolerated. In summary, the available evidence is currently insufficient to determine the role of this variant in disease. Therefore, it has been classified as a Variant of Uncertain Significance.